The following is an entry in ClinVar:

ClinVar aggregate classification (germline): Uncertain significance (1 of 4 stars; one submission).

Conditions:
Rhabdoid tumor predisposition syndrome 2 (RTPS2). Identifiers: Orphanet 231108, Orphanet 69077, MedGen C2750074, MONDO:0013224, OMIM 613325.

Submission:

Labcorp Genetics (formerly Invitae), Labcorp
Classification: Uncertain significance for Rhabdoid tumor predisposition syndrome 2. Last evaluated: 2025-11-26. Review status: criteria provided, single submitter. Criteria: Invitae Variant Classification Sherloc (09022015). Collection method: clinical testing. Allele origin: germline.
Comment: This sequence change falls in intron 24 of the SMARCA4 gene. It does not directly change the encoded amino acid sequence of the SMARCA4 protein. It affects a nucleotide within the consensus splice site. This variant is not present in population databases (gnomAD no frequency). This variant has not been reported in the literature in individuals affected with SMARCA4-related conditions. Variants that disrupt the consensus splice site are a relatively common cause of aberrant splicing (PMID: 17576681, 9536098). Algorithms developed to predict the effect of sequence changes on RNA splicing suggest that this variant is not likely to affect RNA splicing. In summary, the available evidence is currently insufficient to determine the role of this variant in disease. Therefore, it has been classified as a Variant of Uncertain Significance.

Literature cited by the submitters: PubMed 17576681; PubMed 9536098.

NM_003072.5(SMARCA4):c.3382+6T>C

Gene: SMARCA4 (SWI/SNF related BAF chromatin remodeling complex subunit ATPase 4; plus strand). Cytogenetic location: 19p13.2.
Variant type: single nucleotide variant.
Coding change: c.3382+6T>C on transcript NM_003072.5 (MANE Select); 6 bases into the intron after coding-DNA position 3382, T replaced by C.
Molecular consequence: intron variant.
Genome position (GRCh38, 1-based): chr19:11,027,956, T>C. VCF-style: chr19-11027956-T-C. GRCh37 (hg19) VCF-style: chr19-11138632-T-C.
Other names: c.3382+6T>C (NM_001128844.3, NM_001128849.3, NM_001128847.4 and 6 more transcripts).
Identifiers: ClinVar variation 4731948 (VCV004731948.1).